The following is an entry in ClinVar:

ClinVar aggregate classification (germline): Conflicting classifications of pathogenicity. Review status: criteria provided, conflicting classifications (1 of 4 stars). 5 submissions from 5 submitters: Uncertain significance (2); Likely benign (3). Last evaluated 2026-01-25.

Conditions:
Hereditary cancer-predisposing syndrome. Also called: Hereditary Cancer Syndrome; Hereditary neoplastic syndrome; Neoplastic Syndromes, Hereditary; Tumor predisposition. Identifiers: Orphanet 140162, MedGen C0027672, MeSH D009386, MONDO:0015356.
Familial cancer of breast. Also called: BREAST CANCER, FAMILIAL; Hereditary breast cancer; hereditary breast carcinoma. Identifiers: Orphanet 227535, MedGen C0346153, MONDO:0016419, OMIM 114480. Disease mechanism: loss of function.

Allele frequency attached by ClinVar (database versions not stated): gnomAD exomes below 0.00001; TOPMed 0.00001.

Submissions (5):

Labcorp Genetics (formerly Invitae), Labcorp
Classification: Likely benign for Familial cancer of breast. Last evaluated: 2026-01-25. Review status: criteria provided, single submitter. Criteria: Invitae Variant Classification Sherloc (09022015). Collection method: clinical testing. Allele origin: germline.

Quest Diagnostics Nichols Institute San Juan Capistrano
Classification: Uncertain significance. Last evaluated: 2025-04-01. Review status: criteria provided, single submitter. Criteria: Quest Diagnostics criteria. Collection method: clinical testing. Allele origin: unknown.
Comment: The BARD1 c.1395+4G>T variant has not been reported in individuals with BARD1-related conditions in the published literature. The frequency of this variant in the general population (Genome Aggregation Database) is uninformative in the assessment of its pathogenicity. Analysis of this variant using software algorithms for the prediction of the effect of nucleotide changes on BARD1 mRNA splicing yielded inconclusive findings. Based on the available information, we are unable to determine the clinical significance of this variant.

GeneDx
Classification: Uncertain significance. Last evaluated: 2024-02-25. Review status: criteria provided, single submitter. Criteria: GeneDx Variant Classification Process June 2021. Collection method: clinical testing. Allele origin: germline. Affected: yes.
Comment: Not observed at significant frequency in large population cohorts (gnomAD); In silico analysis is inconclusive as to whether the variant alters gene splicing. In the absence of RNA/functional studies, the actual effect of this sequence change is unknown; Has not been previously published as pathogenic or benign to our knowledge

Ambry Genetics
Classification: Likely benign for Hereditary cancer-predisposing syndrome. Last evaluated: 2022-03-15. Review status: criteria provided, single submitter. Criteria: Ambry Variant Classification Scheme 2023. Collection method: clinical testing. Allele origin: germline.

Color Diagnostics, LLC DBA Color Health
Classification: Likely benign for Hereditary cancer-predisposing syndrome. Last evaluated: 2017-05-26. Review status: criteria provided, single submitter. Criteria: ACMG Guidelines, 2015. Collection method: clinical testing. Allele origin: germline.

NM_000465.4(BARD1):c.1395+4G>T

Gene: BARD1 (BRCA1 associated RING domain 1; minus strand). Cytogenetic location: 2q35.
Variant type: single nucleotide variant.
Coding change: c.1395+4G>T on transcript NM_000465.4 (MANE Select); 4 bases into the intron after coding-DNA position 1395, G replaced by T.
Molecular consequence: intron variant.
Genome position (GRCh38, 1-based): chr2:214,769,228, C>A on the plus strand (G>T on the coding strand, the complement: BARD1 is on the minus strand). VCF-style: chr2-214769228-C-A. GRCh37 (hg19) VCF-style: chr2-215633952-C-A.
Other names: c.1395+4G>T (LRG_297t1); c.159-16673G>T (NM_001282548.2); c.1338+4G>T (NM_001282543.2); c.216-16673G>T (NM_001282545.2); c.364+23069G>T (NM_001282549.2).
Identifiers: ClinVar variation 406730 (VCV000406730.23), dbSNP rs1025329798, ClinGen allele CA16610693.